The following is an entry in ClinVar:

ClinVar aggregate classification (germline): Pathogenic (3 of 4 stars; one submission).

Conditions:
Breast-ovarian cancer, familial, susceptibility to, 2 (BROVCA2). Also called: BRCA2 Hereditary Breast and Ovarian Cancer. Identifiers: Orphanet 145, MedGen C2675520, MONDO:0012933, OMIM 612555. Disease mechanism: loss of function.

Submission:

Evidence-based Network for the Interpretation of Germline Mutant Alleles (ENIGMA)
Classification: Pathogenic for Breast-ovarian cancer, familial, susceptibility to, 2. Last evaluated: 2016-10-18. Review status: reviewed by expert panel. Criteria: ENIGMA BRCA1/2 Classification Criteria (2015). Collection method: curation. Allele origin: germline.
Comment: Variant allele predicted to encode a truncated non-functional protein.

NM_000059.4(BRCA2):c.2553del (p.Phe851fs)

Gene: BRCA2 (BRCA2 DNA repair associated; plus strand). Cytogenetic location: 13q13.1.
Variant type: Deletion.
Coding change: c.2553del on transcript NM_000059.4 (MANE Select); coding-DNA position 2553, one base deleted (C; older notation c.2553delC).
Protein change: p.Phe851fs; shifts the reading frame from phenylalanine 851.
Molecular consequence: frameshift variant.
Genome position (GRCh38, 1-based): chr13:32,336,908, C deleted. VCF-style (leftmost placement, unchanged base first): chr13-32336907-TC-T. GRCh37 (hg19) VCF-style: chr13-32911044-TC-T.
Other names: 2781delC; short protein forms F851fs.
Identifiers: ClinVar variation 266710 (VCV000266710.3), dbSNP rs886040437, ClinGen allele CA10589163.